The following is an entry in ClinVar:

ClinVar aggregate classification (germline): Pathogenic (1 of 4 stars; one submission).

Submission:

GeneDx
Classification: Pathogenic. Last evaluated: 2015-08-21. Review status: criteria provided, single submitter. Criteria: GeneDx Variant Classification (06012015). Collection method: clinical testing. Allele origin: germline. Affected: yes.
Comment: The c.2571_2574delGAGA variant in the UBE3A gene causes a frameshift starting with codon Glutamic acid 857, changes this amino acid to an Aspartic acid residue and creates a premature Stop codon at position 3 of the new reading frame, denoted p.Glu857AspfsX3. This variant is predicted to cause loss of normal protein function through protein truncation. Therefore, we interpret c.2571_2574delGAGA to be a pathogenic variant.

NM_130839.5(UBE3A):c.2571_2574del (p.Glu857fs)

Genes: SNHG14 (small nucleolar RNA host gene 14; plus strand), UBE3A (ubiquitin protein ligase E3A; minus strand). Cytogenetic location: 15q11.2.
Variant type: Microsatellite.
Coding change: c.2571_2574del on transcript NM_130839.5 (MANE Select); coding-DNA positions 2571 to 2574, 4 bases deleted (GAGA; older notation c.2571_2574delGAGA).
Protein change: p.Glu857fs; shifts the reading frame from glutamic acid 857.
Molecular consequence: frameshift variant. On other transcripts: non-coding transcript variant (1).
Genome position (GRCh38, 1-based): chr15:25,339,182-25,339,185, TCTC deleted on the plus strand (GAGA on the coding strand, the reverse complement: UBE3A is on the minus strand); deleting any 4 consecutive bases within chr15:25,339,182-25,339,188 gives the same sequence; the c. name uses the placement nearest the transcript's 3' end. VCF-style (leftmost placement, unchanged base first): chr15-25339181-ATCTC-A. GRCh37 (hg19) VCF-style: chr15-25584328-ATCTC-A.
Other names: c.2580_2583del, p.Glu860fs (NM_000462.5); c.2571_2574del, p.Glu857fs (NM_001354505.1, NM_001354538.2); c.2511_2514del, p.Glu837fs (NM_001354506.2, NM_001354507.2, NM_001354508.2 and 14 more transcripts); c.2415_2418del, p.Glu805fs (NM_001354545.2); c.2394_2397del, p.Glu798fs (NM_001354546.2); c.2355_2358del, p.Glu785fs (NM_001354547.2, NM_001354548.2); c.2346_2349del, p.Glu782fs (NM_001354549.2); c.1320_1323del, p.Glu440fs (NM_001354550.2); and 1 more; short protein forms E420fs, E798fs, E837fs, E860fs, E440fs, E782fs, E785fs, E805fs.
Identifiers: ClinVar variation 279915 (VCV000279915.2), dbSNP rs886041252, ClinGen allele CA10603247.
Genomic context (GRCh38, chr15:25,339,181, plus strand): 5'-TTTGTTTTGTTTTGTTTTACAGCATGCCAAATCCTTTGGCATACGTGATGGCCTTCAACA[ATCTC>A]TCTTTAAGTTTTTCTTTGCTTGAGTATTCCGGAAGTAAAAGCACATTAAAGCAAGTATGA-3'